The following is an entry in ClinVar:

ClinVar aggregate classification (germline): Uncertain significance (1 of 4 stars; one submission).

gnomAD v4.1: 4 of 1,614,088 alleles (0.00025%); highest among the groups gnomAD compares: South Asian, 0.0033%; no homozygotes.

Submission:

Labcorp Genetics (formerly Invitae), Labcorp
Classification: Uncertain significance. Last evaluated: 2024-01-03. Review status: criteria provided, single submitter. Criteria: Invitae Variant Classification Sherloc (09022015). Collection method: clinical testing. Allele origin: germline.
Comment: This sequence change replaces lysine, which is basic and polar, with asparagine, which is neutral and polar, at codon 509 of the ALPK1 protein (p.Lys509Asn). This variant is present in population databases (no rsID available, gnomAD 0.003%). This variant has not been reported in the literature in individuals affected with ALPK1-related conditions. Advanced modeling of protein sequence and biophysical properties (such as structural, functional, and spatial information, amino acid conservation, physicochemical variation, residue mobility, and thermodynamic stability) performed at Invitae indicates that this missense variant is not expected to disrupt ALPK1 protein function with a negative predictive value of 80%. In summary, the available evidence is currently insufficient to determine the role of this variant in disease. Therefore, it has been classified as a Variant of Uncertain Significance.

NM_025144.4(ALPK1):c.1527G>T (p.Lys509Asn)

Gene: ALPK1 (alpha kinase 1; plus strand). Cytogenetic location: 4q25.
Variant type: single nucleotide variant.
Coding change: c.1527G>T on transcript NM_025144.4 (MANE Select); coding-DNA position 1527, G replaced by T.
Protein change: p.Lys509Asn; replaces lysine 509 with asparagine.
Molecular consequence: missense variant.
Genome position (GRCh38, 1-based): chr4:112,431,074, G>T. VCF-style: chr4-112431074-G-T. GRCh37 (hg19) VCF-style: chr4-113352230-G-T.
Other names: c.1527G>T, p.Lys509Asn (NM_001102406.2); c.1293G>T, p.Lys431Asn (NM_001253884.2); short protein forms K431N, K509N.
Identifiers: ClinVar variation 3622054 (VCV003622054.2).
Genomic context (GRCh38, chr4:112,431,074, plus strand): 5'-CATCACTGCTCTAAAAACAGAAATAAAAAACATAGATACTGTGAGTACTACTCAAGAAAA[G>T]CCACATTGTCAAAGAGACACAGGAATATCTTCCTCCCTAATGGGTAAGAATGTTCAGAGG-3'
Protein context (NP_079420.3, residues 499-519): NIDTVSTTQE[Lys509Asn]PHCQRDTGIS